The following is an entry in ClinVar:

NM_015072.5(TTLL5):c.2591A>T (p.Asp864Val)

Gene: TTLL5 (tubulin tyrosine ligase like 5; plus strand). Cytogenetic location: 14q24.3.
Variant type: single nucleotide variant.
Coding change: c.2591A>T on transcript NM_015072.5 (MANE Select); coding-DNA position 2591, A replaced by T.
Protein change: p.Asp864Val; replaces aspartic acid 864 with valine.
Molecular consequence: missense variant.
Genome position (GRCh38, 1-based): chr14:75,782,562, A>T. VCF-style: chr14-75782562-A-T. GRCh37 (hg19) VCF-style: chr14-76248905-A-T.
Other names: c.2591A>T (NM_015072.4); short protein forms D864V.
Identifiers: ClinVar variation 1425476 (VCV001425476.7), dbSNP rs1892120478, ClinGen allele CA390470772.
Genomic context (GRCh38, chr14:75,782,562, plus strand): 5'-TAATGGAAGAAGTGAAAATAAAGCCACCTAAACAGCAACAGACGACAGAAATTCATTCTG[A>T]TAAATTATCTCGTGAGTGATTTCAAACCTACCTAGATTTGCTGCTCTCTGATAATTTCCT-3'
Protein context (NP_055887.3, residues 854-874): KQQQTTEIHS[Asp864Val]KLSRFTTSAE

ClinVar aggregate classification (germline): Uncertain significance. Review status: criteria provided, multiple submitters, no conflicts (2 of 4 stars). 2 submissions from 2 submitters: Uncertain significance (2). Last evaluated 2025-08-04.

Conditions:
Inborn genetic diseases. Identifiers: MedGen C0950123, MeSH D030342.

Allele frequency attached by ClinVar (database versions not stated): TOPMed below 0.00001.

Submissions (2):

Ambry Genetics
Classification: Uncertain significance for Inborn genetic diseases. Last evaluated: 2025-08-04. Review status: criteria provided, single submitter. Criteria: Ambry Variant Classification Scheme 2023. Collection method: clinical testing. Allele origin: germline.

Labcorp Genetics (formerly Invitae), Labcorp
Classification: Uncertain significance. Last evaluated: 2022-10-17. Review status: criteria provided, single submitter. Criteria: Invitae Variant Classification Sherloc (09022015). Collection method: clinical testing. Allele origin: germline.
Comment: ClinVar contains an entry for this variant (Variation ID: 1425476). Advanced modeling of protein sequence and biophysical properties (such as structural, functional, and spatial information, amino acid conservation, physicochemical variation, residue mobility, and thermodynamic stability) performed at Invitae indicates that this missense variant is not expected to disrupt TTLL5 protein function. In summary, the available evidence is currently insufficient to determine the role of this variant in disease. Therefore, it has been classified as a Variant of Uncertain Significance. This variant has not been reported in the literature in individuals affected with TTLL5-related conditions. This sequence change replaces aspartic acid, which is acidic and polar, with valine, which is neutral and non-polar, at codon 864 of the TTLL5 protein (p.Asp864Val). This variant is not present in population databases (gnomAD no frequency).